The following is an entry in ClinVar:

ClinVar aggregate classification (germline): Uncertain significance (1 of 4 stars; one submission).

Conditions:
Hereditary cancer-predisposing syndrome. Also called: Neoplastic Syndromes, Hereditary; Tumor predisposition; Hereditary Cancer Syndrome; Hereditary neoplastic syndrome. Identifiers: Orphanet 140162, MedGen C0027672, MeSH D009386, MONDO:0015356.

Allele frequency attached by ClinVar (database versions not stated): TOPMed below 0.00001; gnomAD 0.00001.
gnomAD v4.1: 1 of 1,614,126 alleles (0.000062%); highest among the groups gnomAD compares: East Asian, 0.0022%; no homozygotes.

Submission:

Ambry Genetics
Classification: Uncertain significance for Hereditary cancer-predisposing syndrome. Last evaluated: 2022-05-23. Review status: criteria provided, single submitter. Criteria: Ambry Variant Classification Scheme 2023. Collection method: clinical testing. Allele origin: germline.
Comment: The p.T827A variant (also known as c.2479A>G), located in coding exon 5 of the PALB2 gene, results from an A to G substitution at nucleotide position 2479. The threonine at codon 827 is replaced by alanine, an amino acid with similar properties. This amino acid position is poorly conserved in available vertebrate species. In addition, this alteration is predicted to be tolerated by in silico analysis. Since supporting evidence is limited at this time, the clinical significance of this alteration remains unclear.

NM_024675.4(PALB2):c.2479A>G (p.Thr827Ala)

Gene: PALB2 (partner and localizer of BRCA2; minus strand). Cytogenetic location: 16p12.2.
Variant type: single nucleotide variant.
Coding change: c.2479A>G on transcript NM_024675.4 (MANE Select); coding-DNA position 2479, A replaced by G.
Protein change: p.Thr827Ala; replaces threonine 827 with alanine.
Molecular consequence: missense variant.
Genome position (GRCh38, 1-based): chr16:23,629,675, T>C on the plus strand (A>G on the coding strand, the complement: PALB2 is on the minus strand). VCF-style: chr16-23629675-T-C. GRCh37 (hg19) VCF-style: chr16-23640996-T-C.
Other names: short protein forms T827A.
Identifiers: ClinVar variation 821340 (VCV000821340.4), dbSNP rs1324538307, ClinGen allele CA395124042.